The following is an entry in ClinVar:

ClinVar aggregate classification (germline): Uncertain significance (1 of 4 stars; one submission).

Submission:

Labcorp Genetics (formerly Invitae), Labcorp
Classification: Uncertain significance. Last evaluated: 2024-01-11. Review status: criteria provided, single submitter. Criteria: Invitae Variant Classification Sherloc (09022015). Collection method: clinical testing. Allele origin: germline.
Comment: This sequence change replaces tyrosine, which is neutral and polar, with asparagine, which is neutral and polar, at codon 104 of the FBLN5 protein (p.Tyr104Asn). This variant is not present in population databases (gnomAD no frequency). This variant has not been reported in the literature in individuals affected with FBLN5-related conditions. An algorithm developed to predict the effect of missense changes on protein structure and function (PolyPhen-2) suggests that this variant is likely to be tolerated. In summary, the available evidence is currently insufficient to determine the role of this variant in disease. Therefore, it has been classified as a Variant of Uncertain Significance.

NM_006329.4(FBLN5):c.310T>A (p.Tyr104Asn)

Gene: FBLN5 (fibulin 5; minus strand). Cytogenetic location: 14q32.12.
Variant type: single nucleotide variant.
Coding change: c.310T>A on transcript NM_006329.4 (MANE Select); coding-DNA position 310, T replaced by A.
Protein change: p.Tyr104Asn; replaces tyrosine 104 with asparagine.
Molecular consequence: missense variant.
Genome position (GRCh38, 1-based): chr14:91,937,016, A>T on the plus strand (T>A on the coding strand, the complement: FBLN5 is on the minus strand). VCF-style: chr14-91937016-A-T. GRCh37 (hg19) VCF-style: chr14-92403360-A-T.
Other names: c.433T>A, p.Tyr145Asn (NM_001384158.1); c.361T>A, p.Tyr121Asn (NM_001384159.1); c.310T>A, p.Tyr104Asn (NM_001384160.1); c.142T>A, p.Tyr48Asn (NM_001384161.1, NM_001384162.1); short protein forms Y104N, Y145N, Y121N, Y48N.
Identifiers: ClinVar variation 2868592 (VCV002868592.3), dbSNP rs1044181148, ClinGen allele CA390639758.